The following is an entry in ClinVar:

ClinVar aggregate classification (germline): Uncertain significance (1 of 4 stars; one submission).

Allele frequency attached by ClinVar (database versions not stated): gnomAD exomes below 0.00001; gnomAD 0.00001.
gnomAD v4.1: 15 of 1,346,906 alleles (0.0011%); highest among the groups gnomAD compares: African/African-American, 0.0076%; 2 homozygotes.

Submission:

Labcorp Genetics (formerly Invitae), Labcorp
Classification: Uncertain significance. Last evaluated: 2023-11-01. Review status: criteria provided, single submitter. Criteria: Invitae Variant Classification Sherloc (09022015). Collection method: clinical testing. Allele origin: germline.
Comment: This sequence change replaces alanine, which is neutral and non-polar, with threonine, which is neutral and polar, at codon 14 of the NKX6-2 protein (p.Ala14Thr). This variant is not present in population databases (gnomAD no frequency). This variant has not been reported in the literature in individuals affected with NKX6-2-related conditions. ClinVar contains an entry for this variant (Variation ID: 1508298). Algorithms developed to predict the effect of missense changes on protein structure and function output the following: SIFT: "Not Available"; PolyPhen-2: "Benign"; Align-GVGD: "Not Available". The threonine amino acid residue is found in multiple mammalian species, which suggests that this missense change does not adversely affect protein function. In summary, the available evidence is currently insufficient to determine the role of this variant in disease. Therefore, it has been classified as a Variant of Uncertain Significance.

NM_177400.3(NKX6-2):c.40G>A (p.Ala14Thr)

Gene: NKX6-2 (NK6 homeobox 2; minus strand). Cytogenetic location: 10q26.3.
Variant type: single nucleotide variant.
Coding change: c.40G>A on transcript NM_177400.3 (MANE Select); coding-DNA position 40, G replaced by A.
Protein change: p.Ala14Thr; replaces alanine 14 with threonine.
Molecular consequence: missense variant.
Genome position (GRCh38, 1-based): chr10:132,785,909, C>T on the plus strand (G>A on the coding strand, the complement: NKX6-2 is on the minus strand). VCF-style: chr10-132785909-C-T. GRCh37 (hg19) VCF-style: chr10-134599413-C-T.
Other names: short protein forms A14T.
Identifiers: ClinVar variation 1508298 (VCV001508298.5), dbSNP rs1338485294, ClinGen allele CA378772574.